The following is an entry in ClinVar:

NM_000260.4(MYO7A):c.3285+14G>A

Gene: MYO7A (myosin VIIA; plus strand). Cytogenetic location: 11q13.5.
Variant type: single nucleotide variant.
Coding change: c.3285+14G>A on transcript NM_000260.4 (MANE Select); 14 bases into the intron after coding-DNA position 3285, G replaced by A.
Molecular consequence: intron variant.
Genome position (GRCh38, 1-based): chr11:77,182,614, G>A. VCF-style: chr11-77182614-G-A. GRCh37 (hg19) VCF-style: chr11-76893659-G-A.
Other names: c.3252+14G>A (NM_001369365.1); c.3285+14G>A (NM_001127180.2).
Identifiers: ClinVar variation 3694446 (VCV003694446.2).
Genomic context (GRCh38, chr11:77,182,614, plus strand): 5'-AGAAGACGTACAAGAGGGAGCTGCAGGCCCTGCAGGGCGAGGGCGAGGTGAGGCCAAGGT[G>A]CCCTCTGGATGATGTCCCTCCCAGGCCGACAAGGAGGGCCGCTGGCATCACCAGCCTTGG-3'

ClinVar aggregate classification (germline): Uncertain significance (1 of 4 stars; one submission).

gnomAD v4.1: 1 of 1,612,394 alleles (0.000062%); highest among the groups gnomAD compares: African/African-American, 0.0013%; no homozygotes.

Submission:

Labcorp Genetics (formerly Invitae), Labcorp
Classification: Uncertain significance. Last evaluated: 2024-05-19. Review status: criteria provided, single submitter. Criteria: Invitae Variant Classification Sherloc (09022015). Collection method: clinical testing. Allele origin: germline.
Comment: This sequence change falls in intron 25 of the MYO7A gene. It does not directly change the encoded amino acid sequence of the MYO7A protein. This variant is not present in population databases (gnomAD no frequency). This variant has not been reported in the literature in individuals affected with MYO7A-related conditions. Algorithms developed to predict the effect of sequence changes on RNA splicing suggest that this variant may create or strengthen a splice site. In summary, the available evidence is currently insufficient to determine the role of this variant in disease. Therefore, it has been classified as a Variant of Uncertain Significance.